The following is an entry in ClinVar:

ClinVar aggregate classification (germline): Uncertain significance (1 of 4 stars; one submission).

Conditions:
F2-related disorder. Also called: F2-related condition; F2-related disorders.

Allele frequency attached by ClinVar (database versions not stated): gnomAD exomes below 0.00001; gnomAD 0.00001.

Submission:

PreventionGenetics, part of Exact Sciences
Classification: Uncertain significance for F2-related condition. Last evaluated: 2023-06-23. Review status: criteria provided, single submitter. Criteria: ACMG Guidelines, 2015. Collection method: clinical testing. Allele origin: germline.
Comment: The F2 c.1084G>A variant is predicted to result in the amino acid substitution p.Gly362Arg. This variant has also been documented as p.Gly319Arg using legacy nomenclature. This variant has been reported in the homozygous state in an individual with prothrombin deficiency (Akhavan et al 1999. PubMed ID: 10354128). This variant is reported in 0.0065% of alleles in individuals of European (Non-Finnish) descent in gnomAD. Although we suspect that this variant may be pathogenic, at this time, the clinical significance of this variant is uncertain due to the absence of conclusive functional and genetic evidence.

NM_000506.5(F2):c.1084G>A (p.Gly362Arg)

Gene: F2 (coagulation factor II, thrombin; plus strand). Cytogenetic location: 11p11.2.
Variant type: single nucleotide variant.
Coding change: c.1084G>A on transcript NM_000506.5 (MANE Select); coding-DNA position 1084, G replaced by A.
Protein change: p.Gly362Arg; replaces glycine 362 with arginine.
Molecular consequence: missense variant.
Genome position (GRCh38, 1-based): chr11:46,726,791, G>A. VCF-style: chr11-46726791-G-A. GRCh37 (hg19) VCF-style: chr11-46748341-G-A.
Other names: short protein forms G362R.
Identifiers: ClinVar variation 2632426 (VCV002632426.1), dbSNP rs1284103438, ClinGen allele CA380267929.